The following is an entry in ClinVar:

NM_000702.4(ATP1A2):c.1619T>G (p.Met540Arg)

Gene: ATP1A2 (ATPase Na+/K+ transporting subunit alpha 2; plus strand). Cytogenetic location: 1q23.2.
Variant type: single nucleotide variant.
Coding change: c.1619T>G on transcript NM_000702.4 (MANE Select); coding-DNA position 1619, T replaced by G.
Protein change: p.Met540Arg; replaces methionine 540 with arginine.
Molecular consequence: missense variant.
Genome position (GRCh38, 1-based): chr1:160,130,259, T>G. VCF-style: chr1-160130259-T-G. GRCh37 (hg19) VCF-style: chr1-160100049-T-G.
Other names: short protein forms M540R.
Identifiers: ClinVar variation 1024214 (VCV001024214.8), dbSNP rs868632991, ClinGen allele CA31497819.

ClinVar aggregate classification (germline): Uncertain significance (1 of 4 stars; one submission).

Conditions:
Familial hemiplegic migraine. Identifiers: MedGen C0338484, MONDO:0000700.

Allele frequency attached by ClinVar (database versions not stated): gnomAD exomes below 0.00001.
gnomAD v4.1: 5 of 1,614,056 alleles (0.00031%); highest among the groups gnomAD compares: Middle Eastern, 0.049%; no homozygotes.

Submission:

Labcorp Genetics (formerly Invitae), Labcorp
Classification: Uncertain significance for Familial hemiplegic migraine. Last evaluated: 2025-10-02. Review status: criteria provided, single submitter. Criteria: Invitae Variant Classification Sherloc (09022015). Collection method: clinical testing. Allele origin: germline.
Comment: This sequence change replaces methionine, which is neutral and non-polar, with arginine, which is basic and polar, at codon 540 of the ATP1A2 protein (p.Met540Arg). This variant is not present in population databases (gnomAD no frequency). This variant has not been reported in the literature in individuals affected with ATP1A2-related conditions. ClinVar contains an entry for this variant (Variation ID: 1024214). Invitae Evidence Modeling of protein sequence and biophysical properties (such as structural, functional, and spatial information, amino acid conservation, physicochemical variation, residue mobility, and thermodynamic stability) indicates that this missense variant is not expected to disrupt ATP1A2 protein function with a negative predictive value of 80%. Algorithms developed to predict the effect of sequence changes on RNA splicing suggest that this variant may disrupt the consensus splice site. In summary, the available evidence is currently insufficient to determine the role of this variant in disease. Therefore, it has been classified as a Variant of Uncertain Significance.